The following is an entry in ClinVar:

ClinVar aggregate classification (germline): Conflicting classifications of pathogenicity. Review status: criteria provided, conflicting classifications (1 of 4 stars). 6 submissions from 6 submitters: Uncertain significance (5); Likely benign (1). Last evaluated 2025-05-22.

Conditions:
MYPN-related myopathy (CMYO24). Also called: Nemaline myopathy 11, autosomal recessive. Identifiers: MedGen C4479186, MONDO:0015023, OMIM 617336.
Dilated cardiomyopathy 1KK (CMD1KK). Identifiers: Orphanet 154, Orphanet 75249, MedGen C3714995, MONDO:0014100, OMIM 615248.
MYPN-related disorder. Also called: MYPN-related condition.
Cardiovascular phenotype. Identifiers: MedGen CN230736.

Allele frequency attached by ClinVar (database versions not stated): gnomAD exomes 0.00002 and 0.00004; ExAC 0.00003; gnomAD 0.00007; TOPMed 0.00015.
gnomAD v4.1: 42 of 1,613,418 alleles (0.0026%); highest among the groups gnomAD compares: Admixed American, 0.032%; no homozygotes.

Submissions (6):

PreventionGenetics, part of Exact Sciences
Classification: Uncertain significance for MYPN-related condition. Last evaluated: 2025-05-22. Review status: criteria provided, single submitter. Criteria: ACMG Guidelines, 2015. Collection method: clinical testing. Allele origin: germline.
Comment: The MYPN c.3065C>G variant is predicted to result in the amino acid substitution p.Ala1022Gly. To our knowledge, this variant has not been reported in the literature. This variant is reported in 0.020% of alleles in individuals of Latino descent in gnomAD. At this time, the clinical significance of this variant is uncertain due to the absence of conclusive functional and genetic evidence.

Ambry Genetics
Classification: Uncertain significance for Cardiovascular phenotype. Last evaluated: 2025-04-14. Review status: criteria provided, single submitter. Criteria: Ambry Variant Classification Scheme 2023. Collection method: clinical testing. Allele origin: germline.
Comment: The p.A1022G variant (also known as c.3065C>G), located in coding exon 13 of the MYPN gene, results from a C to G substitution at nucleotide position 3065. The alanine at codon 1022 is replaced by glycine, an amino acid with similar properties. This amino acid position is conserved. In addition, this alteration is predicted to be tolerated by in silico analysis. Since supporting evidence is limited at this time, the clinical significance of this alteration remains unclear.

Labcorp Genetics (formerly Invitae), Labcorp
Classification: Uncertain significance for Dilated cardiomyopathy 1KK. Last evaluated: 2022-09-01. Review status: criteria provided, single submitter. Criteria: Invitae Variant Classification Sherloc (09022015). Collection method: clinical testing. Allele origin: germline.
Comment: This sequence change replaces alanine, which is neutral and non-polar, with glycine, which is neutral and non-polar, at codon 1022 of the MYPN protein (p.Ala1022Gly). This variant is present in population databases (rs773991025, gnomAD 0.02%). This variant has not been reported in the literature in individuals affected with MYPN-related conditions. ClinVar contains an entry for this variant (Variation ID: 477754). Algorithms developed to predict the effect of missense changes on protein structure and function are either unavailable or do not agree on the potential impact of this missense change (SIFT: "Tolerated"; PolyPhen-2: "Probably Damaging"; Align-GVGD: "Class C0"). In summary, the available evidence is currently insufficient to determine the role of this variant in disease. Therefore, it has been classified as a Variant of Uncertain Significance.

Fulgent Genetics
Classification: Uncertain significance for Dilated cardiomyopathy 1KK; MYPN-related myopathy. Last evaluated: 2021-12-20. Review status: criteria provided, single submitter. Criteria: ACMG Guidelines, 2015. Collection method: clinical testing. Allele origin: unknown.

Blueprint Genetics
Classification: Likely benign. Last evaluated: 2021-06-22. Review status: criteria provided, single submitter. Criteria: ACMG Guidelines, 2015. Collection method: clinical testing. Allele origin: germline.

GeneDx
Classification: Uncertain significance. Last evaluated: 2019-05-01. Review status: criteria provided, single submitter. Criteria: GeneDx Variant Classification Process June 2021. Collection method: clinical testing. Allele origin: germline. Affected: yes.
Comment: Has not been previously published as pathogenic or benign to our knowledge; Reported in ClinVar as a variant of uncertain significance, but additional evidence is not available (ClinVar Variant ID# 477754; Landrum et al., 2016); In silico analysis, which includes protein predictors and evolutionary conservation, supports that this variant does not alter protein structure/function

NM_032578.4(MYPN):c.3065C>G (p.Ala1022Gly)

Genes: MYPN (myopalladin; plus strand), LOC132089829 (Neanderthal introgressed variant-containing enhancer experimental_16132; plus strand). Cytogenetic location: 10q21.3.
Variant type: single nucleotide variant.
Coding change: c.3065C>G on transcript NM_032578.4 (MANE Select); coding-DNA position 3065, C replaced by G.
Protein change: p.Ala1022Gly; replaces alanine 1022 with glycine.
Molecular consequence: missense variant. On other transcripts: non-coding transcript variant (2).
Genome position (GRCh38, 1-based): chr10:68,194,502, C>G. VCF-style: chr10-68194502-C-G. GRCh37 (hg19) VCF-style: chr10-69954259-C-G.
Other names: c.3065C>G, p.Ala1022Gly (NM_001256267.2); c.2183C>G, p.Ala728Gly (NM_001256268.2); c.3065C>G (NM_032578.2); short protein forms A1022G, A728G.
Identifiers: ClinVar variation 477754 (VCV000477754.14), dbSNP rs773991025, ClinGen allele CA5522929.